The following is an entry in ClinVar:

ClinVar aggregate classification (germline): Conflicting classifications of pathogenicity. Review status: criteria provided, conflicting classifications (1 of 4 stars). 2 submissions from 2 submitters: Uncertain significance (1); Likely benign (1). Last evaluated 2025-10-05.

Conditions:
Cardiovascular phenotype. Identifiers: MedGen CN230736.
ABCG5-related disorder. Also called: ABCG5-related condition.

gnomAD v4.1: 9 of 1,614,058 alleles (0.00056%); highest among the groups gnomAD compares: African/African-American, 0.012%; no homozygotes.

Submissions (2):

PreventionGenetics, part of Exact Sciences
Classification: Uncertain significance for ABCG5-related condition. Last evaluated: 2025-10-05. Review status: criteria provided, single submitter. Criteria: ACMG Guidelines, 2015. Collection method: clinical testing. Allele origin: germline.
Comment: The ABCG5 c.694G>A variant is predicted to result in the amino acid substitution p.Val232Ile. To our knowledge, this variant has not been reported in the literature. This variant is reported in 0.012% of alleles in individuals of African descent in gnomAD. At this time, the clinical significance of this variant is uncertain due to the absence of conclusive functional and genetic evidence.

Ambry Genetics
Classification: Likely benign for Cardiovascular phenotype. Last evaluated: 2025-09-04. Review status: criteria provided, single submitter. Criteria: Ambry Variant Classification Scheme 2023. Collection method: clinical testing. Allele origin: germline.

NM_022436.3(ABCG5):c.694G>A (p.Val232Ile)

Genes: ABCG5 (ATP binding cassette subfamily G member 5; minus strand), DYNC2LI1 (dynein cytoplasmic 2 light intermediate chain 1; plus strand). Cytogenetic location: 2p21.
Variant type: single nucleotide variant.
Coding change: c.694G>A on transcript NM_022436.3 (MANE Select); coding-DNA position 694, G replaced by A.
Protein change: p.Val232Ile; replaces valine 232 with isoleucine.
Molecular consequence: missense variant. On other transcripts: intron variant (2).
Genome position (GRCh38, 1-based): chr2:43,826,462, C>T on the plus strand (G>A on the coding strand, the complement: ABCG5 is on the minus strand). VCF-style: chr2-43826462-C-T. GRCh37 (hg19) VCF-style: chr2-44053601-C-T.
Other names: c.*16-924C>T (NM_001348913.2, NM_001348912.2); short protein forms V232I.
Identifiers: ClinVar variation 4145717 (VCV004145717.2).